The following is an entry in ClinVar:

NM_015692.5(CPAMD8):c.3861G>C (p.Glu1287Asp)

Gene: CPAMD8 (C3 and PZP like alpha-2-macroglobulin domain containing 8; minus strand). Cytogenetic location: 19p13.11.
Variant type: single nucleotide variant.
Coding change: c.3861G>C on transcript NM_015692.5 (MANE Select); coding-DNA position 3861, G replaced by C.
Protein change: p.Glu1287Asp; replaces glutamic acid 1287 with aspartic acid.
Molecular consequence: missense variant.
Genome position (GRCh38, 1-based): chr19:16,914,424, C>G on the plus strand (G>C on the coding strand, the complement: CPAMD8 is on the minus strand). VCF-style: chr19-16914424-C-G. GRCh37 (hg19) VCF-style: chr19-17025234-C-G.
Other names: short protein forms E1287D.
Identifiers: ClinVar variation 1695622 (VCV001695622.2), dbSNP rs777175210, ClinGen allele CA404642222.

ClinVar aggregate classification (germline): Uncertain significance (1 of 4 stars; one submission).

Submission:

GeneDx
Classification: Uncertain significance. Last evaluated: 2022-01-07. Review status: criteria provided, single submitter. Criteria: GeneDx Variant Classification Process June 2021. Collection method: clinical testing. Allele origin: germline. Affected: yes.
Comment: Not observed at significant frequency in large population cohorts (gnomAD); In silico analysis supports that this missense variant does not alter protein structure/function; Has not been previously published as pathogenic or benign to our knowledge